The following is an entry in ClinVar:

NM_001166108.2(PALLD):c.2035G>A (p.Ala679Thr)

Gene: PALLD (palladin, cytoskeletal associated protein; plus strand). Cytogenetic location: 4q32.3.
Variant type: single nucleotide variant.
Coding change: c.2035G>A on transcript NM_001166108.2 (MANE Select); coding-DNA position 2035, G replaced by A.
Protein change: p.Ala679Thr; replaces alanine 679 with threonine.
Molecular consequence: missense variant. On other transcripts: 5 prime UTR variant (4).
Genome position (GRCh38, 1-based): chr4:168,890,992, G>A. VCF-style: chr4-168890992-G-A. GRCh37 (hg19) VCF-style: chr4-169812143-G-A.
Other names: c.889G>A, p.Ala297Thr (NM_001166109.2); c.574G>A, p.Ala192Thr (NM_001166110.2); c.-87G>A (NM_001367567.1, NM_001367568.1, NM_001367569.1 and 1 more transcripts); c.2035G>A, p.Ala679Thr (NM_016081.4); short protein forms A297T, A192T, A679T.
Identifiers: ClinVar variation 3927495 (VCV003927495.1).

ClinVar aggregate classification (germline): Uncertain significance (1 of 4 stars; one submission).

Submission:

Ambry Genetics
Classification: Uncertain significance. Last evaluated: 2025-03-19. Review status: criteria provided, single submitter. Criteria: Ambry Variant Classification Scheme 2023. Collection method: clinical testing. Allele origin: germline.
Comment: The p.A192T variant (also known as c.574G>A), located in coding exon 2 of the PALLD gene, results from a G to A substitution at nucleotide position 574. The alanine at codon 192 is replaced by threonine, an amino acid with similar properties. This amino acid position is conserved. In addition, the in silico prediction for this alteration is inconclusive. Based on the available evidence, the clinical significance of this variant remains unclear.